The following is an entry in ClinVar:

ClinVar aggregate classification (germline): Likely pathogenic (1 of 4 stars; one submission).

Submission:

CeGaT Center for Human Genetics Tuebingen
Classification: Likely pathogenic. Last evaluated: 2026-06-01. Review status: criteria provided, single submitter. Criteria: CeGaT Center For Human Genetics Tuebingen Variant Classification Criteria Version 2. Collection method: clinical testing. Allele origin: germline. Affected: yes. Observed: 1 variant allele.
Comment: POLRMT: PVS1:Strong, PM2

NM_005035.4(POLRMT):c.3154-2A>G

Gene: POLRMT (RNA polymerase mitochondrial; minus strand). Cytogenetic location: 19p13.3.
Variant type: single nucleotide variant.
Coding change: c.3154-2A>G on transcript NM_005035.4 (MANE Select); the canonical splice acceptor site of the intron before coding-DNA position 3154, A replaced by G.
Molecular consequence: splice acceptor variant.
Genome position (GRCh38, 1-based): chr19:619,112, T>C on the plus strand (A>G on the coding strand, the complement: POLRMT is on the minus strand). VCF-style: chr19-619112-T-C. GRCh37 (hg19) VCF-style: chr19-619112-T-C.
Other names: c.3112-2A>G (NM_001407813.1, NM_001407811.1); c.3142-2A>G (NM_001407810.1, NM_001407807.1); c.3145-2A>G (NM_001407809.1, NM_001407806.1); c.2929-2A>G (NM_001407832.1, NM_001407830.1); c.3031-2A>G (NM_001407829.1); c.3076-2A>G (NM_001407815.1, NM_001407814.1); c.3115-2A>G (NM_001407812.1); c.3154-2A>G (NM_001407816.1, NM_001407805.1); and 5 more.
Identifiers: ClinVar variation 4874333 (VCV004874333.2).